The following is an entry in ClinVar:

NM_000329.3(RPE65):c.803G>A (p.Trp268Ter)

Gene: RPE65 (retinoid isomerohydrolase RPE65; minus strand). Cytogenetic location: 1p31.3.
Variant type: single nucleotide variant.
Coding change: c.803G>A on transcript NM_000329.3 (MANE Select); coding-DNA position 803, G replaced by A.
Protein change: p.Trp268Ter; replaces tryptophan 268 with a stop codon.
Molecular consequence: nonsense.
Genome position (GRCh38, 1-based): chr1:68,439,246, C>T on the plus strand (G>A on the coding strand, the complement: RPE65 is on the minus strand). VCF-style: chr1-68439246-C-T. GRCh37 (hg19) VCF-style: chr1-68904929-C-T.
Other names: c.695G>A, p.Trp232Ter (NM_001406853.1); c.527G>A, p.Trp176Ter (NM_001406856.1, NM_001406857.1); c.803G>A, p.Trp268Ter (NM_001406859.1); short protein forms W176*, W232*, W268*.
Identifiers: ClinVar variation 2945031 (VCV002945031.3), dbSNP rs2523426491, ClinGen allele CA340745704.

ClinVar aggregate classification (germline): Pathogenic (1 of 4 stars; one submission).

Conditions:
Leber congenital amaurosis 2 (LCA2). Also called: Autosomal Recessive RPE65-Related Retinal Degeneration; AMAUROSIS CONGENITA OF LEBER II. Identifiers: Orphanet 65, MedGen C1859844, MONDO:0008765, OMIM 204100. Disease mechanism: loss of function.
Retinitis pigmentosa 20 (RP20). Identifiers: Orphanet 791, MedGen C3151086, MONDO:0013425, OMIM 613794.

Allele frequency attached by ClinVar (database versions not stated): gnomAD exomes below 0.00001.
gnomAD v4.1: 1 of 1,613,980 alleles (0.000062%); highest among the groups gnomAD compares: Non-Finnish European, 0.000085%; no homozygotes.

Submission:

Labcorp Genetics (formerly Invitae), Labcorp
Classification: Pathogenic for Leber congenital amaurosis 2; Retinitis pigmentosa 20. Last evaluated: 2023-03-07. Review status: criteria provided, single submitter. Criteria: Invitae Variant Classification Sherloc (09022015). Collection method: clinical testing. Allele origin: germline.
Comment: This sequence change creates a premature translational stop signal (p.Trp268*) in the RPE65 gene. It is expected to result in an absent or disrupted protein product. Loss-of-function variants in RPE65 are known to be pathogenic (PMID: 9326941, 9501220, 9843205, 18632300). This variant is not present in population databases (gnomAD no frequency). This variant has not been reported in the literature in individuals affected with RPE65-related conditions. Algorithms developed to predict the effect of sequence changes on RNA splicing suggest that this variant may disrupt the consensus splice site. For these reasons, this variant has been classified as Pathogenic.

Literature cited by the submitters: PubMed 9326941; PubMed 9501220; PubMed 9843205; PubMed 18632300.